The following is an entry in ClinVar:

ClinVar aggregate classification (germline): Benign/Likely benign. Review status: criteria provided, multiple submitters, no conflicts (2 of 4 stars). 3 submissions from 3 submitters: Benign (1); Likely benign (2). Last evaluated 2024-10-01.

Conditions:
Familial cancer of breast. Also called: BREAST CANCER, FAMILIAL; Hereditary breast cancer; hereditary breast carcinoma. Identifiers: Orphanet 227535, MedGen C0346153, MONDO:0016419, OMIM 114480. Disease mechanism: loss of function.
Hereditary cancer-predisposing syndrome. Also called: Hereditary Cancer Syndrome; Neoplastic Syndromes, Hereditary; Tumor predisposition; Hereditary neoplastic syndrome. Identifiers: Orphanet 140162, MedGen C0027672, MeSH D009386, MONDO:0015356.

Submissions (3):

Myriad Genetics, Inc.
Classification: Benign for Familial cancer of breast. Last evaluated: 2024-10-01. Review status: criteria provided, single submitter. Criteria: Myriad Autosomal Dominant, Autosomal Recessive and X-Linked Classification Criteria (2023). Collection method: clinical testing. Allele origin: unknown.
Comment: This variant is considered benign. This variant is a silent/synonymous amino acid change and it is not expected to impact splicing.

Labcorp Genetics (formerly Invitae), Labcorp
Classification: Likely benign for Familial cancer of breast. Last evaluated: 2023-04-20. Review status: criteria provided, single submitter. Criteria: Invitae Variant Classification Sherloc (09022015). Collection method: clinical testing. Allele origin: germline.

Ambry Genetics
Classification: Likely benign for Hereditary cancer-predisposing syndrome. Last evaluated: 2016-12-19. Review status: criteria provided, single submitter. Criteria: Ambry Variant Classification Scheme 2023. Collection method: clinical testing. Allele origin: germline.

NM_007194.4(CHEK2):c.90C>T (p.Gly30=)

Gene: CHEK2 (checkpoint kinase 2; minus strand). Cytogenetic location: 22q12.1.
Variant type: single nucleotide variant.
Coding change: c.90C>T on transcript NM_007194.4 (MANE Select); coding-DNA position 90, C replaced by T.
Protein change: p.Gly30=; no amino-acid change (glycine 30 retained).
Molecular consequence: synonymous variant.
Genome position (GRCh38, 1-based): chr22:28,734,632, G>A on the plus strand (C>T on the coding strand, the complement: CHEK2 is on the minus strand). VCF-style: chr22-28734632-G-A. GRCh37 (hg19) VCF-style: chr22-29130620-G-A.
Other names: c.90C>T, p.Gly30= (NM_001005735.3, NM_001349956.3, NM_145862.3); c.-688C>T (NM_001257387.3).
Identifiers: ClinVar variation 479588 (VCV000479588.11), dbSNP rs1555932724, ClinGen allele CA513946616.
Genomic context (GRCh38, chr22:28,734,632, plus strand): 5'-GCTGGAGTTTGGCATCGTGCTGGTAGAGGAGCTGGATATGCCCTGGGACTGTGAGGAGGA[G>A]CCTTGGGACTGGGTAACGCTGCCATGGGGCTGTGAACAGGCACTGCTGCCATGAGACTGC-3'
Protein context (NP_009125.1, residues 20-40): QPHGSVTQSQ[Gly30=]SSSQSQGISS